The following is an entry in ClinVar:

NM_153252.5(BRWD3):c.2165C>A (p.Thr722Asn)

Gene: BRWD3 (bromodomain and WD repeat domain containing 3; minus strand). Cytogenetic location: Xq21.1.
Variant type: single nucleotide variant.
Coding change: c.2165C>A on transcript NM_153252.5 (MANE Select); coding-DNA position 2165, C replaced by A.
Protein change: p.Thr722Asn; replaces threonine 722 with asparagine.
Molecular consequence: missense variant.
Genome position (GRCh38, 1-based): chrX:80,717,639, G>T on the plus strand (C>A on the coding strand, the complement: BRWD3 is on the minus strand). VCF-style: chrX-80717639-G-T. GRCh37 (hg19) VCF-style: chrX-79973138-G-T.
Other names: short protein forms T722N.
Identifiers: ClinVar variation 1803507 (VCV001803507.4), dbSNP rs768036437, ClinGen allele CA10462088.
Genomic context (GRCh38, chrX:80,717,639, plus strand): 5'-ACCCCATTATTTAGTTCATTGACCACCACTCTTCTGCTCCACGCCATGAGATCTCTTTCA[G>T]TGGCCATCTGGCTCCGAGGAGCATTGTTATGCATTTGTCTAACACCTTCAATTTGACTAC-3'
Protein context (NP_694984.5, residues 712-732): HNNAPRSQMA[Thr722Asn]ERDLMAWSRR

ClinVar aggregate classification (germline): Uncertain significance. Review status: criteria provided, multiple submitters, no conflicts (2 of 4 stars). 2 submissions from 2 submitters: Uncertain significance (2). Last evaluated 2023-05-01.

Allele frequency attached by ClinVar (database versions not stated): gnomAD exomes below 0.00001; TOPMed below 0.00001; ExAC 0.00001; gnomAD 0.00001.
gnomAD v4.1: 4 of 1,209,659 alleles (0.00033%); highest among the groups gnomAD compares: Non-Finnish European, 0.00034%; no homozygotes.

Submissions (2):

Labcorp Genetics (formerly Invitae), Labcorp
Classification: Uncertain significance. Last evaluated: 2023-05-01. Review status: criteria provided, single submitter. Criteria: Invitae Variant Classification Sherloc (09022015). Collection method: clinical testing. Allele origin: germline.
Comment: In summary, the available evidence is currently insufficient to determine the role of this variant in disease. Therefore, it has been classified as a Variant of Uncertain Significance. Advanced modeling of protein sequence and biophysical properties (such as structural, functional, and spatial information, amino acid conservation, physicochemical variation, residue mobility, and thermodynamic stability) performed at Invitae indicates that this missense variant is not expected to disrupt BRWD3 protein function. ClinVar contains an entry for this variant (Variation ID: 1803507). This variant has not been reported in the literature in individuals affected with BRWD3-related conditions. This variant is present in population databases (rs768036437, gnomAD 0.001%). This sequence change replaces threonine, which is neutral and polar, with asparagine, which is neutral and polar, at codon 722 of the BRWD3 protein (p.Thr722Asn).

GeneDx
Classification: Uncertain significance. Last evaluated: 2022-12-05. Review status: criteria provided, single submitter. Criteria: GeneDx Variant Classification Process June 2021. Collection method: clinical testing. Allele origin: germline. Affected: yes.
Comment: In silico analysis supports that this missense variant has a deleterious effect on protein structure/function; Has not been previously published as pathogenic or benign to our knowledge